The following is an entry in ClinVar:

ClinVar aggregate classification (germline): Likely pathogenic (1 of 4 stars; one submission).

Allele frequency attached by ClinVar (database versions not stated): gnomAD 0.00001; TOPMed 0.00001.
gnomAD v4.1: 25 of 1,613,338 alleles (0.0015%); highest among the groups gnomAD compares: Non-Finnish European, 0.0021%; no homozygotes.

Submission:

Greenwood Genetic Center Diagnostic Laboratories, Greenwood Genetic Center
Classification: Likely pathogenic. Last evaluated: 2021-09-15. Review status: criteria provided, single submitter. Criteria: ACMG Guidelines, 2015. Collection method: clinical testing. Allele origin: germline. Affected: yes.
Comment: PVS1, PM2

NM_201521.3(KLC4):c.553G>T (p.Glu185Ter)

Gene: KLC4 (kinesin light chain 4; plus strand). Cytogenetic location: 6p21.1.
Variant type: single nucleotide variant.
Coding change: c.553G>T on transcript NM_201521.3 (MANE Select); coding-DNA position 553, G replaced by T.
Protein change: p.Glu185Ter; replaces glutamic acid 185 with a stop codon.
Molecular consequence: nonsense.
Genome position (GRCh38, 1-based): chr6:43,065,683, G>T. VCF-style: chr6-43065683-G-T. GRCh37 (hg19) VCF-style: chr6-43033421-G-T.
Other names: c.553G>T, p.Glu185Ter (NM_001289034.2, NM_138343.4, NM_201522.3); c.322G>T, p.Glu108Ter (NM_001289035.2); c.607G>T, p.Glu203Ter (NM_201523.3); short protein forms E108*, E185*, E203*.
Identifiers: ClinVar variation 1334583 (VCV001334583.4), dbSNP rs1033630760, ClinGen allele CA138255558.